The following is an entry in ClinVar:

ClinVar aggregate classification (germline): Pathogenic. Review status: reviewed by expert panel (3 of 4 stars). 4 submissions from 4 submitters: Pathogenic (1). 3 of the submissions do not count toward it. Last evaluated 2025-05-20.

Conditions:
RPGR-related retinopathy. Also called: RPGR retinopathy. Identifiers: MedGen CN305589, MONDO:0100437.
Retinitis pigmentosa (RP). Identifiers: Orphanet 791, MedGen C0035334, MeSH D012174, MONDO:0019200, OMIM 268000. Inheritance: Autosomal dominant, autosomal recessive and X linked inheritance.
RPGR-related disorder. Also called: RPGR-related condition.
X-linked cone-rod dystrophy 1 (CORDX1). Identifiers: Orphanet 1872, MedGen C1844776, MONDO:0010566, OMIM 304020.

Submissions (4):

ClinGen X-linked Inherited Retinal Disease Variant Curation Expert Panel, ClinGen
Classification: Pathogenic for RPGR-related retinopathy. Last evaluated: 2025-05-20. Review status: reviewed by expert panel. Criteria: ClinGen X LinkedIRD ACMG Specifications RPGR V1.0.0. Collection method: curation. Allele origin: germline. Inheritance: X-linked inheritance.
Comment: NM_001034853.2(RPGR):c.494G>A (p.Gly165Asp) is a missense variant predicted to cause substitution of glycine by aspartate at amino acid 165. This variant is absent from hemizygous individuals in gnomAD v4.1.0 (PM2_Supporting). At least one male proband harboring this variant has onset before age 30 years (required), macular integrity assessment of 0, optic nerve pallor (0.5 pts), pigmentary retinopathy (0.5 pts), nyctalopia (0.5 pts), decreased central vision acuity (0.5 pts), and high myopia (1 pt), combined with panel-based genotyping that excludes alternative causes in other relevant loci (2 pts), but cannot meet PP4 due to the absence of the reduced electroretinogram requirement (5 pts total, PMID: 27596865). This variant has been identified as a de novo occurrence in this proband, with an assumed but unconfirmed maternal relationship (0.25 pts, PMID: 27596865), however, de novo points were not sufficient to meet PS2_Supporting. This variant has been reported in at least 3 apparently unrelated probands meeting the PS4 requirement of some functional vision impairment in affected males by age 30 years, with decreased or absent cone and/or rod electroretinogram responses (PMIDs: 31456290, 27596865, 30887160, PS4_Moderate).The variant has been reported to segregate with retinal dystrophy through at least 4 affected meioses total from at least 2 families (PP1_Strong; PMIDs: 30887160, 31456290). Another missense variant in the same codon, NM_001034853.2(RPGR):c.494G>T (p.Gly165Val), has a higher Grantham score than this variant, so PM5 has not been considered. The computational predictor REVEL gives a score of 0.968, which is above the ClinGen X-linked IRD VCEP threshold of >0.932 and predicts a damaging effect on RPGR function (PP3_strong). In summary, this variant is classified as pathogenic for RPGR-related retinopathy based on the ClinGen X-linked Inherited Retinal Disease Expert Panel Specifications to the ACMG/AMP Variant Interpretation Guidelines for RPGR Version 1.0.0; PM2_Supporting, PP1_strong, PS4_moderate, and PP3_strong. (date of approval 05/16/2025).

Blueprint Genetics
Classification: Pathogenic for RPGR-related disorders. Last evaluated: 2024-03-07. Review status: criteria provided, single submitter. Criteria: ACMG Guidelines, 2015. Collection method: clinical testing. Allele origin: germline. Affected: yes. Observed: 2 variant alleles. Not counted in ClinVar's aggregate classification.

3billion
Classification: Likely pathogenic for X-linked cone-rod dystrophy 1. Last evaluated: 2022-01-03. Review status: criteria provided, single submitter. Criteria: ACMG Guidelines, 2015. Collection method: clinical testing. Allele origin: germline. Affected: yes. Observed: 1 hemizygote. Not counted in ClinVar's aggregate classification.
Comment: The variant has been observed in at least two similarly affected unrelated individuals (PMID: 27596865, PS4_M). A different missense change at the same codon has been reported to be associated with RPGR related disorder (PMID:17195164, PM5_P). In silico tool predictions suggest damaging effect of the variant on gene or gene product (REVEL: 0.968, 3CNET: 0.958, PP3_P). It is not observed in the gnomAD v2.1.1 dataset (PM2_M). Therefore, this variant is classified as likely pathogenic according to the recommendation of ACMG/AMP guideline.

Sharon lab, Hadassah-Hebrew University Medical Center
Classification: Likely pathogenic for Retinitis pigmentosa. Last evaluated: 2019-06-23. Review status: no assertion criteria provided. Collection method: research. Allele origin: inherited. Affected: yes. Not counted in ClinVar's aggregate classification.

Literature cited by the submitters: PubMed 17195164 (cited by 3billion); PubMed 27596865 (cited by 3billion).

NM_001034853.2(RPGR):c.494G>A (p.Gly165Asp)

Gene: RPGR (retinitis pigmentosa GTPase regulator; minus strand). Cytogenetic location: Xp11.4.
Variant type: single nucleotide variant.
Coding change: c.494G>A on transcript NM_001034853.2 (MANE Select); coding-DNA position 494, G replaced by A.
Protein change: p.Gly165Asp; replaces glycine 165 with aspartic acid.
Molecular consequence: missense variant. On other transcripts: non-coding transcript variant (6).
Genome position (GRCh38, 1-based): chrX:38,317,441, C>T on the plus strand (G>A on the coding strand, the complement: RPGR is on the minus strand). VCF-style: chrX-38317441-C-T. GRCh37 (hg19) VCF-style: chrX-38176694-C-T.
Other names: NM_001034853.2(RPGR):c.494G>A; p.Gly165Asp; c.494G>A, p.Gly165Asp (NM_000328.3, NM_001367245.1, NM_001367246.1 and 3 more transcripts); c.524G>A, p.Gly175Asp (NM_001367248.1); c.491G>A, p.Gly164Asp (NM_001367249.1); short protein forms G164D, G165D, G175D.
Identifiers: ClinVar variation 812421 (VCV000812421.3), dbSNP rs1601972449, ClinGen allele CA412744917.